The following is an entry in ClinVar:

ClinVar aggregate classification (germline): Uncertain significance (1 of 4 stars; one submission).

Submission:

Labcorp Genetics (formerly Invitae), Labcorp
Classification: Uncertain significance. Last evaluated: 2024-09-21. Review status: criteria provided, single submitter. Criteria: Invitae Variant Classification Sherloc (09022015). Collection method: clinical testing. Allele origin: germline.
Comment: This sequence change replaces proline, which is neutral and non-polar, with serine, which is neutral and polar, at codon 92 of the TGFBI protein (p.Pro92Ser). This variant is not present in population databases (gnomAD no frequency). This variant has not been reported in the literature in individuals affected with TGFBI-related conditions. Invitae Evidence Modeling of protein sequence and biophysical properties (such as structural, functional, and spatial information, amino acid conservation, physicochemical variation, residue mobility, and thermodynamic stability) indicates that this missense variant is not expected to disrupt TGFBI protein function with a negative predictive value of 80%. In summary, the available evidence is currently insufficient to determine the role of this variant in disease. Therefore, it has been classified as a Variant of Uncertain Significance.

NM_000358.3(TGFBI):c.274C>T (p.Pro92Ser)

Gene: TGFBI (transforming growth factor beta induced; plus strand). Cytogenetic location: 5q31.1.
Variant type: single nucleotide variant.
Coding change: c.274C>T on transcript NM_000358.3 (MANE Select); coding-DNA position 274, C replaced by T.
Protein change: p.Pro92Ser; replaces proline 92 with serine.
Molecular consequence: missense variant.
Genome position (GRCh38, 1-based): chr5:136,044,098, C>T. VCF-style: chr5-136044098-C-T. GRCh37 (hg19) VCF-style: chr5-135379787-C-T.
Other names: short protein forms P92S.
Identifiers: ClinVar variation 3685640 (VCV003685640.2).